The following is an entry in ClinVar:

NM_001330311.2(DVL1):c.1486G>C (p.Val496Leu)

Gene: DVL1 (dishevelled segment polarity protein 1; minus strand). Cytogenetic location: 1p36.33.
Variant type: single nucleotide variant.
Coding change: c.1486G>C on transcript NM_001330311.2 (MANE Select); coding-DNA position 1486, G replaced by C.
Protein change: p.Val496Leu; replaces valine 496 with leucine.
Molecular consequence: missense variant.
Genome position (GRCh38, 1-based): chr1:1,338,290, C>G on the plus strand (G>C on the coding strand, the complement: DVL1 is on the minus strand). VCF-style: chr1-1338290-C-G. GRCh37 (hg19) VCF-style: chr1-1273670-C-G.
Other names: c.1411G>C, p.Val471Leu (NM_004421.3); short protein forms V496L, V471L.
Identifiers: ClinVar variation 1511530 (VCV001511530.6), dbSNP rs762553903, ClinGen allele CA337860920.

ClinVar aggregate classification (germline): Uncertain significance (1 of 4 stars; one submission).

Submission:

Labcorp Genetics (formerly Invitae), Labcorp
Classification: Uncertain significance. Last evaluated: 2022-11-08. Review status: criteria provided, single submitter. Criteria: Invitae Variant Classification Sherloc (09022015). Collection method: clinical testing. Allele origin: germline.
Comment: Advanced modeling of protein sequence and biophysical properties (such as structural, functional, and spatial information, amino acid conservation, physicochemical variation, residue mobility, and thermodynamic stability) performed at Invitae indicates that this missense variant is not expected to disrupt DVL1 protein function. In summary, the available evidence is currently insufficient to determine the role of this variant in disease. Therefore, it has been classified as a Variant of Uncertain Significance. ClinVar contains an entry for this variant (Variation ID: 1511530). This variant has not been reported in the literature in individuals affected with DVL1-related conditions. This variant is not present in population databases (gnomAD no frequency). This sequence change replaces valine, which is neutral and non-polar, with leucine, which is neutral and non-polar, at codon 471 of the DVL1 protein (p.Val471Leu).